The following is an entry in ClinVar:

ClinVar aggregate classification (germline): Uncertain significance (1 of 4 stars; one submission).

Conditions:
Hereditary cancer-predisposing syndrome. Also called: Neoplastic Syndromes, Hereditary; Tumor predisposition; Hereditary Cancer Syndrome; Hereditary neoplastic syndrome. Identifiers: Orphanet 140162, MedGen C0027672, MeSH D009386, MONDO:0015356.

Submission:

Ambry Genetics
Classification: Uncertain significance for Hereditary cancer-predisposing syndrome. Last evaluated: 2019-05-02. Review status: criteria provided, single submitter. Criteria: Ambry Variant Classification Scheme 2023. Collection method: clinical testing. Allele origin: germline.
Comment: The c.153_165del13 variant, located in coding exon 2 of the PDGFRA gene, results from a deletion of 13 nucleotides at nucleotide positions 153 to 165, causing a translational frameshift with a predicted alternate stop codon (p.E52Afs*27). This alteration is expected to result in loss of function by premature protein truncation or nonsense-mediated mRNA decay. However, loss of function via haploinsufficiency in PDGFRA has not been clearly established as a mechanism of disease. Since supporting evidence is limited at this time, the clinical significance of this alteration remains unclear.

NM_006206.6(PDGFRA):c.153_165del (p.Glu52fs)

Gene: PDGFRA (platelet derived growth factor receptor alpha; plus strand). Cytogenetic location: 4q12.
Variant type: Deletion.
Coding change: c.153_165del on transcript NM_006206.6 (MANE Select); coding-DNA positions 153 to 165, 13 bases deleted (GGAGAGTGAAGTG).
Protein change: p.Glu52fs; shifts the reading frame from glutamic acid 52.
Molecular consequence: frameshift variant.
Genome position (GRCh38, 1-based): chr4:54,261,198-54,261,210, GGAGAGTGAAGTG deleted; deleting any 13 consecutive bases within chr4:54,261,197-54,261,210 gives the same sequence; the c. name uses the placement nearest the transcript's 3' end. VCF-style (leftmost placement, unchanged base first): chr4-54261196-GGGGAGAGTGAAGT-G. GRCh37 (hg19) VCF-style: chr4-55127363-GGGGAGAGTGAAGT-G.
Other names: c.153_165del, p.Glu52fs (NM_001347827.2, NM_001347829.2); c.228_240del, p.Glu77fs (NM_001347828.2); c.192_204del, p.Glu65fs (NM_001347830.2); short protein forms E77fs, E52fs, E65fs.
Identifiers: ClinVar variation 819467 (VCV000819467.4), dbSNP rs1577705147, ClinGen allele CA915943071.